The following is an entry in ClinVar:

ClinVar aggregate classification (germline): Uncertain significance (1 of 4 stars; one submission).

Conditions:
PURA-related severe neonatal hypotonia-seizures-encephalopathy syndrome (NEDRIHF). Also called: PURA-Related Neurodevelopmental Disorders; NEURODEVELOPMENTAL DISORDER WITH NEONATAL RESPIRATORY INSUFFICIENCY, HYPOTONIA, AND FEEDING DIFFICULTIES. Identifiers: Orphanet 438213, Orphanet 438216, MedGen C4015357, MONDO:1060108, OMIM 616158, MONDO:0018580.

Submission:

Labcorp Genetics (formerly Invitae), Labcorp
Classification: Uncertain significance for PURA-related severe neonatal hypotonia-seizures-encephalopathy syndrome. Last evaluated: 2024-12-16. Review status: criteria provided, single submitter. Criteria: Invitae Variant Classification Sherloc (09022015). Collection method: clinical testing. Allele origin: germline.
Comment: This sequence change affects codon 275 of the PURA mRNA. It is a 'silent' change, meaning that it does not change the encoded amino acid sequence of the PURA protein. This variant is not present in population databases (gnomAD no frequency). This variant has not been reported in the literature in individuals affected with PURA-related conditions. In summary, the available evidence is currently insufficient to determine the role of this variant in disease. Therefore, it has been classified as a Variant of Uncertain Significance.

NM_005859.5(PURA):c.825G>A (p.Ser275=)

Gene: PURA (purine rich element binding protein A; plus strand). Cytogenetic location: 5q31.3.
Variant type: single nucleotide variant.
Coding change: c.825G>A on transcript NM_005859.5 (MANE Select); coding-DNA position 825, G replaced by A.
Protein change: p.Ser275=; no amino-acid change (serine 275 retained).
Molecular consequence: synonymous variant.
Genome position (GRCh38, 1-based): chr5:140,115,006, G>A. VCF-style: chr5-140115006-G-A. GRCh37 (hg19) VCF-style: chr5-139494591-G-A.
Identifiers: ClinVar variation 3681616 (VCV003681616.2).
Genomic context (GRCh38, chr5:140,115,006, plus strand): 5'-CTCCATCACCGTGCCCTACAAGGTGTGGGCCAAGTTCGGACACACCTTCTGCAAGTACTC[G>A]GAGGAGATGAAGAAGATTCAAGAGAAGCAGAGGGAGAAGCGGGCTGCCTGTGAGCAGCTT-3'
Protein context (NP_005850.1, residues 265-285): AKFGHTFCKY[Ser275=]EEMKKIQEKQ